The following is an entry in ClinVar:

NM_001371279.1(REEP1):c.417G>C (p.Lys139Asn)

Gene: REEP1 (receptor accessory protein 1; minus strand). Cytogenetic location: 2p11.2.
Variant type: single nucleotide variant.
Coding change: c.417G>C on transcript NM_001371279.1 (MANE Select); coding-DNA position 417, G replaced by C.
Protein change: p.Lys139Asn; replaces lysine 139 with asparagine.
Molecular consequence: missense variant. On other transcripts: intron variant (1).
Genome position (GRCh38, 1-based): chr2:86,251,957, C>G on the plus strand (G>C on the coding strand, the complement: REEP1 is on the minus strand). VCF-style: chr2-86251957-C-G. GRCh37 (hg19) VCF-style: chr2-86479080-C-G.
Other names: c.438G>C, p.Lys146Asn (NM_001164730.2); c.336G>C, p.Lys112Asn (NM_001164731.2); c.417G>C, p.Lys139Asn (NM_001371280.1, NM_001410855.1, NM_001410856.1 and 1 more transcripts); c.182+12008G>C (NM_001164732.2); short protein forms K112N, K139N, K146N.
Identifiers: ClinVar variation 2129879 (VCV002129879.4), dbSNP rs2468826116, ClinGen allele CA347715723.

ClinVar aggregate classification (germline): Uncertain significance (1 of 4 stars; one submission).

Conditions:
Hereditary spastic paraplegia 31. Also called: SPASTIC PARAPLEGIA 31, AUTOSOMAL DOMINANT. Identifiers: Orphanet 101011, MedGen C1853247, MONDO:0012453, OMIM 610250.

Submission:

Labcorp Genetics (formerly Invitae), Labcorp
Classification: Uncertain significance for Hereditary spastic paraplegia 31. Last evaluated: 2022-04-24. Review status: criteria provided, single submitter. Criteria: Invitae Variant Classification Sherloc (09022015). Collection method: clinical testing. Allele origin: germline.
Comment: In summary, the available evidence is currently insufficient to determine the role of this variant in disease. Therefore, it has been classified as a Variant of Uncertain Significance. Variants that disrupt the consensus splice site are a relatively common cause of aberrant splicing (PMID: 17576681, 9536098). Algorithms developed to predict the effect of sequence changes on RNA splicing suggest that this variant may disrupt the consensus splice site. Algorithms developed to predict the effect of missense changes on protein structure and function (SIFT, PolyPhen-2, Align-GVGD) all suggest that this variant is likely to be disruptive. This variant has not been reported in the literature in individuals affected with REEP1-related conditions. This variant is not present in population databases (gnomAD no frequency). This sequence change replaces lysine, which is basic and polar, with asparagine, which is neutral and polar, at codon 139 of the REEP1 protein (p.Lys139Asn). This variant also falls at the last nucleotide of exon 5, which is part of the consensus splice site for this exon.

Literature cited by the submitters: PubMed 17576681; PubMed 9536098.